The following is an entry in ClinVar:

NM_002460.4(IRF4):c.1099G>C (p.Glu367Gln)

Gene: IRF4 (interferon regulatory factor 4; plus strand). Cytogenetic location: 6p25.3.
Variant type: single nucleotide variant.
Coding change: c.1099G>C on transcript NM_002460.4 (MANE Select); coding-DNA position 1099, G replaced by C.
Protein change: p.Glu367Gln; replaces glutamic acid 367 with glutamine.
Molecular consequence: missense variant. On other transcripts: non-coding transcript variant (1).
Genome position (GRCh38, 1-based): chr6:401,777, G>C. VCF-style: chr6-401777-G-C. GRCh37 (hg19) VCF-style: chr6-401777-G-C.
Other names: c.1096G>C, p.Glu366Gln (NM_001195286.2); short protein forms E366Q, E367Q.
Identifiers: ClinVar variation 2738701 (VCV002738701.3), dbSNP rs2480826374, ClinGen allele CA362549563.

ClinVar aggregate classification (germline): Uncertain significance (1 of 4 stars; one submission).

Submission:

Labcorp Genetics (formerly Invitae), Labcorp
Classification: Uncertain significance. Last evaluated: 2025-11-04. Review status: criteria provided, single submitter. Criteria: Invitae Variant Classification Sherloc (09022015). Collection method: clinical testing. Allele origin: germline.
Comment: This sequence change replaces glutamic acid, which is acidic and polar, with glutamine, which is neutral and polar, at codon 367 of the IRF4 protein (p.Glu367Gln). This variant also falls at the last nucleotide of exon 7, which is part of the consensus splice site for this exon. This variant is not present in population databases (gnomAD no frequency). This variant has not been reported in the literature in individuals affected with IRF4-related conditions. ClinVar contains an entry for this variant (Variation ID: 2738701). An algorithm developed to predict the effect of missense changes on protein structure and function (PolyPhen-2) suggests that this variant is likely to be disruptive. Variants that disrupt the consensus splice site are a relatively common cause of aberrant splicing (PMID: 17576681, 9536098). In summary, the available evidence is currently insufficient to determine the role of this variant in disease. Therefore, it has been classified as a Variant of Uncertain Significance.

Literature cited by the submitters: PubMed 17576681; PubMed 9536098.